The following is an entry in ClinVar:

ClinVar aggregate classification (germline): Uncertain significance (1 of 4 stars; one submission).

Allele frequency attached by ClinVar (database versions not stated): gnomAD exomes below 0.00001 and 0.00001; gnomAD 0.00001; ExAC 0.00002.
gnomAD v4.1: 8 of 1,598,820 alleles (0.0005%); highest among the groups gnomAD compares: Admixed American, 0.0017%; no homozygotes.

Submission:

Labcorp Genetics (formerly Invitae), Labcorp
Classification: Uncertain significance. Last evaluated: 2022-06-27. Review status: criteria provided, single submitter. Criteria: Invitae Variant Classification Sherloc (09022015). Collection method: clinical testing. Allele origin: germline.
Comment: This variant is present in population databases (rs761717071, gnomAD 0.004%). This sequence change replaces serine, which is neutral and polar, with phenylalanine, which is neutral and non-polar, at codon 418 of the TRIOBP protein (p.Ser418Phe). This variant has not been reported in the literature in individuals affected with TRIOBP-related conditions. Algorithms developed to predict the effect of missense changes on protein structure and function are either unavailable or do not agree on the potential impact of this missense change (SIFT: "Deleterious"; PolyPhen-2: "Benign"; Align-GVGD: "Class C0"). In summary, the available evidence is currently insufficient to determine the role of this variant in disease. Therefore, it has been classified as a Variant of Uncertain Significance.

NM_001039141.3(TRIOBP):c.1253C>T (p.Ser418Phe)

Gene: TRIOBP (TRIO and F-actin binding protein; plus strand). Cytogenetic location: 22q13.1.
Variant type: single nucleotide variant.
Coding change: c.1253C>T on transcript NM_001039141.3 (MANE Select); coding-DNA position 1253, C replaced by T.
Protein change: p.Ser418Phe; replaces serine 418 with phenylalanine.
Molecular consequence: missense variant.
Genome position (GRCh38, 1-based): chr22:37,723,809, C>T. VCF-style: chr22-37723809-C-T. GRCh37 (hg19) VCF-style: chr22-38119816-C-T.
Other names: short protein forms S418F.
Identifiers: ClinVar variation 1411375 (VCV001411375.6), dbSNP rs761717071, ClinGen allele CA10223558.
Genomic context (GRCh38, chr22:37,723,809, plus strand): 5'-AACGAGAGAATTCCAGAACATCCTGTGCCCAGCGGGACAATCCCAAAGCCTCCAGAACCT[C>T]CTCTCCCAATAGAGCCACACGAGACAACCCCAGAACATCCTGCGCCCAGCGGGACAATCC-3'
Protein context (NP_001034230.1, residues 408-428): QRDNPKASRT[Ser418Phe]SPNRATRDNP